The following is an entry in ClinVar:

ClinVar aggregate classification (germline): Uncertain significance (1 of 4 stars; one submission).

Conditions:
Candidiasis, familial, 9 (CANDF9). Identifiers: Orphanet 1334, MedGen C4225324, MONDO:0014642, OMIM 616445.

Submission:

Labcorp Genetics (formerly Invitae), Labcorp
Classification: Uncertain significance for Candidiasis, familial, 9. Last evaluated: 2025-06-03. Review status: criteria provided, single submitter. Criteria: Invitae Variant Classification Sherloc (09022015). Collection method: clinical testing. Allele origin: germline.
Comment: This sequence change replaces histidine, which is basic and polar, with glutamine, which is neutral and polar, at codon 674 of the IL17RC protein (p.His674Gln). This variant is not present in population databases (gnomAD no frequency). This variant has not been reported in the literature in individuals affected with IL17RC-related conditions. An algorithm developed to predict the effect of missense changes on protein structure and function outputs the following: PolyPhen-2: "Benign". The glutamine amino acid residue is found in multiple mammalian species, which suggests that this missense change does not adversely affect protein function. In summary, the available evidence is currently insufficient to determine the role of this variant in disease. Therefore, it has been classified as a Variant of Uncertain Significance.

NM_153460.4(IL17RC):c.1809C>A (p.His603Gln)

Gene: IL17RC (interleukin 17 receptor C; plus strand). Cytogenetic location: 3p25.3.
Variant type: single nucleotide variant.
Coding change: c.1809C>A on transcript NM_153460.4 (MANE Select); coding-DNA position 1809, C replaced by A.
Protein change: p.His603Gln; replaces histidine 603 with glutamine.
Molecular consequence: missense variant. On other transcripts: non-coding transcript variant (1).
Genome position (GRCh38, 1-based): chr3:9,933,239, C>A. VCF-style: chr3-9933239-C-A. GRCh37 (hg19) VCF-style: chr3-9974923-C-A.
Other names: c.1770C>A, p.His590Gln (NM_001203263.2); c.1719C>A, p.His573Gln (NM_001203264.2); c.1713C>A, p.His571Gln (NM_001203265.2); c.1731C>A, p.His577Gln (NM_001367278.1); c.1650C>A, p.His550Gln (NM_001367279.1); c.1725C>A, p.His575Gln (NM_001367280.1); c.1674C>A, p.His558Gln (NM_001410711.1); c.1764C>A, p.His588Gln (NM_032732.6); and 1 more; short protein forms H550Q, H558Q, H575Q, H577Q, H588Q, H674Q, H573Q, H571Q.
Identifiers: ClinVar variation 4747921 (VCV004747921.1).